The following is an entry in ClinVar:

NM_003079.5(SMARCE1):c.955G>A (p.Val319Ile)

Gene: SMARCE1 (SWI/SNF related BAF chromatin remodeling complex subunit E1; minus strand). Cytogenetic location: 17q21.2.
Variant type: single nucleotide variant.
Coding change: c.955G>A on transcript NM_003079.5 (MANE Select); coding-DNA position 955, G replaced by A.
Protein change: p.Val319Ile; replaces valine 319 with isoleucine.
Molecular consequence: missense variant.
Genome position (GRCh38, 1-based): chr17:40,630,786, C>T on the plus strand (G>A on the coding strand, the complement: SMARCE1 is on the minus strand). VCF-style: chr17-40630786-C-T. GRCh37 (hg19) VCF-style: chr17-38787038-C-T.
Other names: short protein forms V319I.
Identifiers: ClinVar variation 407066 (VCV000407066.16), dbSNP rs140414666, ClinGen allele CA8545129.
Genomic context (GRCh38, chr17:40,630,786, plus strand): 5'-GAATGTTCTCGTCGTCTTTCTTCTCCTCGCCTTTGTTAGCTGCTTGTTCTTCCTCAGGAA[C>T]GATGCTGCTCTGACTGCGCTCAGCTTGCTCTGCGGCCTCCTTCTCCCTTTCCTCCTGCCT-3'
Protein context (NP_003070.3, residues 309-329): EQAERSQSSI[Val319Ile]PEEEQAANKG

ClinVar aggregate classification (germline): Conflicting classifications of pathogenicity. Review status: criteria provided, conflicting classifications (1 of 4 stars). 5 submissions from 5 submitters: Uncertain significance (4); Likely benign (1). Last evaluated 2026-01-16.

Conditions:
Coffin-Siris syndrome 5 (CSS5). Identifiers: Orphanet 1465, MedGen C4310788, MONDO:0014838, OMIM 616938.
Hereditary cancer-predisposing syndrome. Also called: Hereditary Cancer Syndrome; Hereditary neoplastic syndrome; Neoplastic Syndromes, Hereditary; Tumor predisposition. Identifiers: Orphanet 140162, MedGen C0027672, MeSH D009386, MONDO:0015356.
Familial meningioma. Also called: Meningioma, familial, susceptibility to. Identifiers: Orphanet 263662, MedGen C3551915, MONDO:0011789, OMIM 607174.

Allele frequency attached by ClinVar (database versions not stated): gnomAD exomes 0.00001 and 0.00004; ExAC 0.00004; gnomAD 0.00013 and 0.00015; TOPMed 0.00016; ESP Exome Variant Server 0.00023; 1000 Genomes Project 0.00060; 1000 Genomes Project 30x 0.00094.
gnomAD v4.1: 37 of 1,614,124 alleles (0.0023%); highest among the groups gnomAD compares: African/African-American, 0.036%; no homozygotes.

Submissions (5):

Labcorp Genetics (formerly Invitae), Labcorp
Classification: Uncertain significance for Familial meningioma. Last evaluated: 2026-01-16. Review status: criteria provided, single submitter. Criteria: Invitae Variant Classification Sherloc (09022015). Collection method: clinical testing. Allele origin: germline.
Comment: This sequence change replaces valine, which is neutral and non-polar, with isoleucine, which is neutral and non-polar, at codon 319 of the SMARCE1 protein (p.Val319Ile). This variant is present in population databases (rs140414666, gnomAD 0.03%). This missense change has been observed in individual(s) with breast cancer (PMID: 35980532). ClinVar contains an entry for this variant (Variation ID: 407066). Invitae Evidence Modeling of protein sequence and biophysical properties (such as structural, functional, and spatial information, amino acid conservation, physicochemical variation, residue mobility, and thermodynamic stability) indicates that this missense variant is not expected to disrupt SMARCE1 protein function with a negative predictive value of 80%. In summary, the available evidence is currently insufficient to determine the role of this variant in disease. Therefore, it has been classified as a Variant of Uncertain Significance.

ARUP Laboratories, Molecular Genetics and Genomics, ARUP Laboratories
Classification: Uncertain significance. Last evaluated: 2023-06-19. Review status: criteria provided, single submitter. Criteria: ARUP Molecular Germline Variant Investigation Process 2024. Collection method: clinical testing. Allele origin: germline.
Comment: The SMARCE1 c.955G>A; p.Val319Ile variant (rs140414666), to our knowledge, is not reported in the medical literature but is reported in ClinVar (Variation ID: 407066). This variant is found in the general population with an overall allele frequency of 0.0046% (13/282,816 alleles) in the Genome Aggregation Database. Computational analyses predict that this variant is neutral (REVEL: 0.034). However, given the lack of clinical and functional data, the significance of this variant is uncertain at this time.

GeneDx
Classification: Uncertain significance. Last evaluated: 2023-02-21. Review status: criteria provided, single submitter. Criteria: GeneDx Variant Classification Process June 2021. Collection method: clinical testing. Allele origin: germline. Affected: yes.
Comment: In silico analysis supports that this missense variant does not alter protein structure/function; Has not been previously published as pathogenic or benign to our knowledge

New York Genome Center
Classification: Uncertain significance for Coffin-Siris syndrome 5. Last evaluated: 2021-07-16. Review status: criteria provided, single submitter. Criteria: NYGC Assertion Criteria 2020. Collection method: clinical testing. Allele origin: inherited. Observed: 1 heterozygote. Study: CSER-NYCKidSeq.

Ambry Genetics
Classification: Likely benign for Hereditary cancer-predisposing syndrome. Last evaluated: 2020-03-04. Review status: criteria provided, single submitter. Criteria: Ambry Variant Classification Scheme 2023. Collection method: clinical testing. Allele origin: germline.

Literature cited by the submitters: PubMed 35980532 (cited by Labcorp Genetics (formerly Invitae), Labcorp).